The following is an entry in ClinVar:

ClinVar aggregate classification (germline): Uncertain significance (1 of 4 stars; one submission).

Conditions:
Inborn genetic diseases. Identifiers: MedGen C0950123, MeSH D030342.

Submission:

Ambry Genetics
Classification: Uncertain significance for Inborn genetic diseases. Last evaluated: 2025-09-26. Review status: criteria provided, single submitter. Criteria: Ambry Variant Classification Scheme 2023. Collection method: clinical testing. Allele origin: germline.
Comment: The p.D1240A variant (also known as c.3719A>C), located in coding exon 14 of the FANCM gene, results from an A to C substitution at nucleotide position 3719. The aspartic acid at codon 1240 is replaced by alanine, an amino acid with dissimilar properties. This amino acid position is conserved. In addition, this alteration is predicted to be tolerated by in silico analysis. Based on the available evidence, the clinical significance of this variant remains unclear.

NM_020937.4(FANCM):c.3719A>C (p.Asp1240Ala)

Gene: FANCM (FA complementation group M; plus strand). Cytogenetic location: 14q21.2.
Variant type: single nucleotide variant.
Coding change: c.3719A>C on transcript NM_020937.4 (MANE Select); coding-DNA position 3719, A replaced by C.
Protein change: p.Asp1240Ala; replaces aspartic acid 1240 with alanine.
Molecular consequence: missense variant.
Genome position (GRCh38, 1-based): chr14:45,176,473, A>C. VCF-style: chr14-45176473-A-C. GRCh37 (hg19) VCF-style: chr14-45645676-A-C.
Other names: c.3641A>C, p.Asp1214Ala (NM_001308133.2); short protein forms D1214A, D1240A.
Identifiers: ClinVar variation 4619451 (VCV004619451.1).
Genomic context (GRCh38, chr14:45,176,473, plus strand): 5'-TTTTTGATTGCTCTAGGGATTTATTTTCTGTTACCTTTGATTTAGGATTCTGTAGTCCAG[A>C]TTCTGATGATGAAATATTGGAACATACATCAGATAGCAATAGACCTCTAGATGATCTATA-3'
Protein context (NP_065988.1, residues 1230-1250): VTFDLGFCSP[Asp1240Ala]SDDEILEHTS